The following is an entry in ClinVar:

ClinVar aggregate classification (germline): Uncertain significance (1 of 4 stars; one submission).

Submission:

Women's Health and Genetics/Laboratory Corporation of America, LabCorp
Classification: Uncertain significance. Last evaluated: 2025-12-26. Review status: criteria provided, single submitter. Criteria: LabCorp Variant Classification Summary - May 2015. Collection method: clinical testing. Allele origin: germline.
Comment: Variant summary: SPECC1L c.2734C>G (p.Pro912Ala) results in a non-conservative amino acid change in the encoded protein sequence. Algorithms developed to predict the effect of missense changes on protein structure and function are either unavailable or do not agree on the potential impact of this missense change. The variant was absent in 251396 control chromosomes. The available data on variant occurrences in the general population are insufficient to allow any conclusion about variant significance. To our knowledge, no occurrence of c.2734C>G in individuals affected with SPECC1L-related conditions and no experimental evidence demonstrating its impact on protein function have been reported. No submitters have cited clinical-significance assessments for this variant to ClinVar. Based on the evidence outlined above, the variant was classified as uncertain significance.

NM_015330.6(SPECC1L):c.2734C>G (p.Pro912Ala)

Genes: SPECC1L (sperm antigen with calponin homology and coiled-coil domains 1 like; plus strand), SPECC1L-ADORA2A (SPECC1L-ADORA2A readthrough (NMD candidate); plus strand). Cytogenetic location: 22q11.23.
Variant type: single nucleotide variant.
Coding change: c.2734C>G on transcript NM_015330.6 (MANE Select); coding-DNA position 2734, C replaced by G.
Protein change: p.Pro912Ala; replaces proline 912 with alanine.
Molecular consequence: missense variant. On other transcripts: non-coding transcript variant (1), 5 prime UTR variant (1).
Genome position (GRCh38, 1-based): chr22:24,347,167, C>G. VCF-style: chr22-24347167-C-G. GRCh37 (hg19) VCF-style: chr22-24743135-C-G.
Other names: c.2734C>G, p.Pro912Ala (NM_001145468.4, NM_001254732.3); c.-69C>G (NM_001254733.2); short protein forms P912A.
Identifiers: ClinVar variation 4688802 (VCV004688802.1).